The following is an entry in ClinVar:

ClinVar aggregate classification (germline): Likely benign. Review status: criteria provided, single submitter (1 of 4 stars). 2 submissions from 2 submitters: Likely benign (1). 1 of the submissions does not count toward it. Last evaluated 2024-07-25.

Conditions:
TNC-related disorder. Also called: TNC-related condition.

gnomAD v4.1: 13 of 1,614,070 alleles (0.00081%); highest among the groups gnomAD compares: Non-Finnish European, 0.0011%; no homozygotes.

Submissions (2):

Blueprint Genetics
Classification: Likely benign. Last evaluated: 2024-07-25. Review status: criteria provided, single submitter. Criteria: ACMG Guidelines, 2015. Collection method: clinical testing. Allele origin: germline.

PreventionGenetics, part of Exact Sciences
Classification: Likely benign for TNC-related condition. Last evaluated: 2024-03-08. Review status: no assertion criteria provided. Collection method: clinical testing. Allele origin: germline. Not counted in ClinVar's aggregate classification.
Comment: This variant is classified as likely benign based on ACMG/AMP sequence variant interpretation guidelines (Richards et al. 2015 PMID: 25741868, with internal and published modifications).

NM_002160.4(TNC):c.3306G>A (p.Glu1102=)

Gene: TNC (tenascin C; minus strand). Cytogenetic location: 9q33.1.
Variant type: single nucleotide variant.
Coding change: c.3306G>A on transcript NM_002160.4 (MANE Select); coding-DNA position 3306, G replaced by A.
Protein change: p.Glu1102=; no amino-acid change (glutamic acid 1102 retained).
Molecular consequence: synonymous variant.
Genome position (GRCh38, 1-based): chr9:115,064,828, C>T on the plus strand (G>A on the coding strand, the complement: TNC is on the minus strand). VCF-style: chr9-115064828-C-T. GRCh37 (hg19) VCF-style: chr9-117827107-C-T.
Other names: c.3306G>A, p.Glu1102= (NM_001410991.1).
Identifiers: ClinVar variation 3352862 (VCV003352862.2).